The following is an entry in ClinVar:

NM_006767.4(LZTR1):c.2455G>T (p.Asp819Tyr)

Gene: LZTR1 (leucine zipper like post translational regulator 1; plus strand). Cytogenetic location: 22q11.21.
Variant type: single nucleotide variant.
Coding change: c.2455G>T on transcript NM_006767.4 (MANE Select); coding-DNA position 2455, G replaced by T.
Protein change: p.Asp819Tyr; replaces aspartic acid 819 with tyrosine.
Molecular consequence: missense variant.
Genome position (GRCh38, 1-based): chr22:20,997,280, G>T. VCF-style: chr22-20997280-G-T. GRCh37 (hg19) VCF-style: chr22-21351569-G-T.
Other names: short protein forms D819Y.
Identifiers: ClinVar variation 3238250 (VCV003238250.2), dbSNP rs1350805220.

ClinVar aggregate classification (germline): Uncertain significance. Review status: criteria provided, multiple submitters, no conflicts (2 of 4 stars). 2 submissions from 2 submitters: Uncertain significance (2). Last evaluated 2025-12-01.

Conditions:
Hereditary cancer-predisposing syndrome. Also called: Neoplastic Syndromes, Hereditary; Tumor predisposition; Hereditary neoplastic syndrome; Hereditary Cancer Syndrome. Identifiers: Orphanet 140162, MedGen C0027672, MeSH D009386, MONDO:0015356.
Cardiovascular phenotype. Identifiers: MedGen CN230736.

Submissions (2):

Labcorp Genetics (formerly Invitae), Labcorp
Classification: Uncertain significance. Last evaluated: 2025-12-01. Review status: criteria provided, single submitter. Criteria: Invitae Variant Classification Sherloc (09022015). Collection method: clinical testing. Allele origin: germline.
Comment: This sequence change replaces aspartic acid, which is acidic and polar, with tyrosine, which is neutral and polar, at codon 819 of the LZTR1 protein (p.Asp819Tyr). This variant is not present in population databases (gnomAD no frequency). This variant has not been reported in the literature in individuals affected with LZTR1-related conditions. ClinVar contains an entry for this variant (Variation ID: 3238250). Invitae Evidence Modeling of protein sequence and biophysical properties (such as structural, functional, and spatial information, amino acid conservation, physicochemical variation, residue mobility, and thermodynamic stability) indicates that this missense variant is not expected to disrupt LZTR1 protein function with a negative predictive value of 80%. In summary, the available evidence is currently insufficient to determine the role of this variant in disease. Therefore, it has been classified as a Variant of Uncertain Significance.

Ambry Genetics
Classification: Uncertain significance for Cardiovascular phenotype; Hereditary cancer-predisposing syndrome. Last evaluated: 2023-12-19. Review status: criteria provided, single submitter. Criteria: Ambry Variant Classification Scheme 2023. Collection method: clinical testing. Allele origin: germline.
Comment: The p.D819Y variant (also known as c.2455G>T), located in coding exon 21 of the LZTR1 gene, results from a G to T substitution at nucleotide position 2455. The aspartic acid at codon 819 is replaced by tyrosine, an amino acid with highly dissimilar properties. This amino acid position is conserved. In addition, the in silico prediction for this alteration is inconclusive. Since supporting evidence is limited at this time, the clinical significance of this alteration remains unclear.